The following is an entry in ClinVar:

NM_000051.4(ATM):c.1585G>A (p.Gly529Arg)

Gene: ATM (ATM serine/threonine kinase; plus strand). Cytogenetic location: 11q22.3.
Variant type: single nucleotide variant.
Coding change: c.1585G>A on transcript NM_000051.4 (MANE Select); coding-DNA position 1585, G replaced by A.
Protein change: p.Gly529Arg; replaces glycine 529 with arginine.
Molecular consequence: missense variant.
Genome position (GRCh38, 1-based): chr11:108,251,050, G>A. VCF-style: chr11-108251050-G-A. GRCh37 (hg19) VCF-style: chr11-108121777-G-A.
Other names: c.1585G>A, p.Gly529Arg (NM_001351834.2); short protein forms G529R.
Identifiers: ClinVar variation 1775793 (VCV001775793.5), dbSNP rs1325651820, ClinGen allele CA382534411.

ClinVar aggregate classification (germline): Uncertain significance. Review status: criteria provided, multiple submitters, no conflicts (2 of 4 stars). 2 submissions from 2 submitters: Uncertain significance (2). Last evaluated 2025-03-05.

Conditions:
Hereditary cancer-predisposing syndrome. Also called: Neoplastic Syndromes, Hereditary; Tumor predisposition; Hereditary Cancer Syndrome; Hereditary neoplastic syndrome. Identifiers: Orphanet 140162, MedGen C0027672, MeSH D009386, MONDO:0015356.

Submissions (2):

Ambry Genetics
Classification: Uncertain significance for Hereditary cancer-predisposing syndrome. Last evaluated: 2025-03-05. Review status: criteria provided, single submitter. Criteria: Ambry Variant Classification Scheme 2023. Collection method: clinical testing. Allele origin: germline.
Comment: The p.G529R variant (also known as c.1585G>A), located in coding exon 9 of the ATM gene, results from a G to A substitution at nucleotide position 1585. The glycine at codon 529 is replaced by arginine, an amino acid with dissimilar properties. This amino acid position is highly conserved in available vertebrate species. In addition, this alteration is predicted to be deleterious by in silico analysis. Based on the available evidence, the clinical significance of this variant remains unclear.

Color Diagnostics, LLC DBA Color Health
Classification: Uncertain significance for Hereditary cancer-predisposing syndrome. Last evaluated: 2022-05-17. Review status: criteria provided, single submitter. Criteria: ACMG Guidelines, 2015. Collection method: clinical testing. Allele origin: germline.
Comment: This missense variant replaces glycine with arginine at codon 529 of the ATM protein. Computational prediction is inconclusive regarding the impact of this variant on protein structure and function (internally defined REVEL score threshold 0.5 < inconclusive < 0.7, PMID: 27666373). To our knowledge, functional studies have not been reported for this variant. This variant has not been reported in individuals affected with hereditary cancer in the literature. This variant has not been identified in the general population by the Genome Aggregation Database (gnomAD). The available evidence is insufficient to determine the role of this variant in disease conclusively. Therefore, this variant is classified as a Variant of Uncertain Significance.